The following is an entry in ClinVar:

NM_182931.3(KMT2E):c.4664C>G (p.Ser1555Cys)

Gene: KMT2E (lysine methyltransferase 2E (inactive); plus strand). Cytogenetic location: 7q22.3.
Variant type: single nucleotide variant.
Coding change: c.4664C>G on transcript NM_182931.3 (MANE Select); coding-DNA position 4664, C replaced by G.
Protein change: p.Ser1555Cys; replaces serine 1555 with cysteine.
Molecular consequence: missense variant.
Genome position (GRCh38, 1-based): chr7:105,112,420, C>G. VCF-style: chr7-105112420-C-G. GRCh37 (hg19) VCF-style: chr7-104752867-C-G.
Other names: c.4538C>G, p.Ser1513Cys (NM_001410908.1); c.4664C>G, p.Ser1555Cys (NM_018682.4); short protein forms S1513C, S1555C.
Identifiers: ClinVar variation 1975893 (VCV001975893.5), dbSNP rs766452377, ClinGen allele CA4424808.
Genomic context (GRCh38, chr7:105,112,420, plus strand): 5'-ACCAACAAAGTCTGAACAGCACGGCACCACCCCCTCCACCTCCTCCACCTCCTTCTTCGT[C>G]TTACTATCAAAACCAGCAGCCCTCTGCAAACTTTCAGAATTATAATCAGCTCAAAGGTAG-3'
Protein context (NP_891847.1, residues 1545-1565): PPPPPPPPSS[Ser1555Cys]YYQNQQPSAN

ClinVar aggregate classification (germline): Uncertain significance (1 of 4 stars; one submission).

Allele frequency attached by ClinVar (database versions not stated): ExAC 0.00002.
gnomAD v4.1: 1 of 1,613,538 alleles (0.000062%); highest among the groups gnomAD compares: South Asian, 0.0011%; no homozygotes.

Submission:

Labcorp Genetics (formerly Invitae), Labcorp
Classification: Uncertain significance. Last evaluated: 2024-11-11. Review status: criteria provided, single submitter. Criteria: Invitae Variant Classification Sherloc (09022015). Collection method: clinical testing. Allele origin: germline.
Comment: This sequence change replaces serine, which is neutral and polar, with cysteine, which is neutral and slightly polar, at codon 1555 of the KMT2E protein (p.Ser1555Cys). This variant is present in population databases (rs766452377, gnomAD 0.003%). This variant has not been reported in the literature in individuals affected with KMT2E-related conditions. ClinVar contains an entry for this variant (Variation ID: 1975893). An algorithm developed to predict the effect of missense changes on protein structure and function (PolyPhen-2) suggests that this variant is likely to be tolerated. In summary, the available evidence is currently insufficient to determine the role of this variant in disease. Therefore, it has been classified as a Variant of Uncertain Significance.